The following is an entry in ClinVar:

ClinVar aggregate classification (germline): Conflicting classifications of pathogenicity. Review status: criteria provided, conflicting classifications (1 of 4 stars). 4 submissions from 4 submitters: Likely pathogenic (1); Uncertain significance (2). 1 of the submissions does not count toward it. Last evaluated 2025-10-28.

Conditions:
PKLR-related disorder. Also called: PKLR-related condition.

gnomAD v4.1: 14 of 1,608,960 alleles (0.00087%); highest among the groups gnomAD compares: Admixed American, 0.0017%; no homozygotes.

Submissions (4):

Labcorp Genetics (formerly Invitae), Labcorp
Classification: Uncertain significance. Last evaluated: 2025-10-28. Review status: criteria provided, single submitter. Criteria: Invitae Variant Classification Sherloc (09022015). Collection method: clinical testing. Allele origin: germline.
Comment: This sequence change replaces arginine, which is basic and polar, with tryptophan, which is neutral and slightly polar, at codon 569 of the PKLR protein (p.Arg569Trp). This variant is present in population databases (rs1052176, gnomAD 0.007%). This missense change has been observed in individual(s) with pyruvate kinase deficiency (internal data). ClinVar contains an entry for this variant (Variation ID: 2434897). Invitae Evidence Modeling of protein sequence and biophysical properties (such as structural, functional, and spatial information, amino acid conservation, physicochemical variation, residue mobility, and thermodynamic stability) indicates that this missense variant is expected to disrupt PKLR protein function with a positive predictive value of 80%. Algorithms developed to predict the effect of sequence changes on RNA splicing suggest that this variant may create or strengthen a splice site. In summary, the available evidence is currently insufficient to determine the role of this variant in disease. Therefore, it has been classified as a Variant of Uncertain Significance.

Center for Genomic Medicine, Rigshospitalet, Copenhagen University Hospital
Classification: Likely pathogenic. Last evaluated: 2025-03-04. Review status: criteria provided, single submitter. Criteria: ACMG Guidelines, 2015. Collection method: clinical testing. Allele origin: germline.

Revvity Omics, Revvity
Classification: Uncertain significance. Last evaluated: 2022-07-11. Review status: criteria provided, single submitter. Criteria: ACMG Guidelines, 2015. Collection method: clinical testing. Allele origin: germline.

PreventionGenetics, part of Exact Sciences
Classification: Uncertain significance for PKLR-related condition. Last evaluated: 2024-05-29. Review status: no assertion criteria provided. Collection method: clinical testing. Allele origin: germline. Not counted in ClinVar's aggregate classification.
Comment: The PKLR c.1705C>T variant is predicted to result in the amino acid substitution p.Arg569Trp. To our knowledge, this variant has not been reported in the literature; however, other missense changes at the same amino acid position, c.1706G>A (Arg569Gln) and c.1706G>A (Arg569Gln), have previously been reported in patients with pyruvate kinase deficiency (Pissard et al 2006. PubMed ID: 16704447; Fermo et al 2005. PubMed ID: 15953013). This variant is reported in 0.0062% of alleles in individuals of African descent in gnomAD. At this time, the clinical significance of this variant is uncertain due to the absence of conclusive functional and genetic evidence.

Literature cited by the submitters: PubMed 33631127 (cited by Center for Genomic Medicine, Rigshospitalet, Copenhagen University Hospital); PubMed 15953013 (cited by Center for Genomic Medicine, Rigshospitalet, Copenhagen University Hospital); PubMed 16704447 (cited by Center for Genomic Medicine, Rigshospitalet, Copenhagen University Hospital).

NM_000298.6(PKLR):c.1705C>T (p.Arg569Trp)

Gene: PKLR (pyruvate kinase L/R; minus strand). Cytogenetic location: 1q22.
Variant type: single nucleotide variant.
Coding change: c.1705C>T on transcript NM_000298.6 (MANE Select); coding-DNA position 1705, C replaced by T.
Protein change: p.Arg569Trp; replaces arginine 569 with tryptophan.
Molecular consequence: missense variant.
Genome position (GRCh38, 1-based): chr1:155,290,592, G>A on the plus strand (C>T on the coding strand, the complement: PKLR is on the minus strand). VCF-style: chr1-155290592-G-A. GRCh37 (hg19) VCF-style: chr1-155260383-G-A.
Other names: c.1612C>T, p.Arg538Trp (NM_181871.4); c.1705C>T (NM_000298.5); short protein forms R538W, R569W.
Identifiers: ClinVar variation 2434897 (VCV002434897.8), dbSNP rs1052176, ClinGen allele CA1143919.